The following is an entry in ClinVar:

NM_001605.3(AARS1):c.600C>T (p.Ala200=)

Gene: AARS1 (alanyl-tRNA synthetase 1; minus strand). Cytogenetic location: 16q22.1.
Variant type: single nucleotide variant.
Coding change: c.600C>T on transcript NM_001605.3 (MANE Select); coding-DNA position 600, C replaced by T.
Protein change: p.Ala200=; no amino-acid change (alanine 200 retained).
Molecular consequence: synonymous variant.
Genome position (GRCh38, 1-based): chr16:70,271,852, G>A on the plus strand (C>T on the coding strand, the complement: AARS1 is on the minus strand). VCF-style: chr16-70271852-G-A. GRCh37 (hg19) VCF-style: chr16-70305755-G-A.
Other names: p.Ala200=.
Identifiers: ClinVar variation 197729 (VCV000197729.69), dbSNP rs150080663, ClinGen allele CA246039.
Genomic context (GRCh38, chr16:70,271,852, plus strand): 5'-GATGAACACAAGGTTCCAGATCTCCAGCACATTAGGGTCGTCCTGGTTGACAAGATGTGC[G>A]GCGTCCCGACCACCAATCCGGTCGTAGTGGATCTCACTGCAAGGACCACAGGGGCCCGTG-3'
Protein context (NP_001596.2, residues 190-210): IHYDRIGGRD[Ala200=]AHLVNQDDPN

ClinVar aggregate classification (germline): Conflicting classifications of pathogenicity. Review status: criteria provided, conflicting classifications (1 of 4 stars). 9 submissions from 9 submitters: Uncertain significance (1); Benign (1); Likely benign (7). Last evaluated 2026-03-01.

Conditions:
AARS1-related disorder. Also called: AARS1-related condition.
Inborn genetic diseases. Identifiers: MedGen C0950123, MeSH D030342.
Charcot-Marie-Tooth disease type 2. Also called: Charcot-Marie-Tooth type 2. Identifiers: Orphanet 64746, MedGen C0270914, MONDO:0018993.
Charcot-Marie-Tooth disease axonal type 2N (CMT2N). Also called: Charcot-Marie-Tooth Neuropathy Type 2N; CHARCOT-MARIE-TOOTH DISEASE, AXONAL, AUTOSOMAL DOMINANT, TYPE 2N; CHARCOT-MARIE-TOOTH NEUROPATHY, AXONAL, TYPE 2N. Identifiers: Orphanet 228174, MedGen C2750090, MONDO:0013212, OMIM 613287.

Allele frequency attached by ClinVar (database versions not stated): ExAC 0.00038; 1000 Genomes Project 0.00040; gnomAD exomes 0.00040; TOPMed 0.00052; gnomAD 0.00055 and 0.00056; 1000 Genomes Project 30x 0.00062; ESP Exome Variant Server 0.00085.
gnomAD v4.1: 1,400 of 1,613,884 alleles (0.087%); highest among the groups gnomAD compares: Non-Finnish European, 0.11%; 3 homozygotes.

Submissions (9):

CeGaT Center for Human Genetics Tuebingen
Classification: Likely benign. Last evaluated: 2026-03-01. Review status: criteria provided, single submitter. Criteria: CeGaT Center For Human Genetics Tuebingen Variant Classification Criteria Version 2. Collection method: clinical testing. Allele origin: germline. Affected: yes. Observed: 7 variant alleles.
Comment: AARS1: BP4, BP7

Labcorp Genetics (formerly Invitae), Labcorp
Classification: Likely benign for Charcot-Marie-Tooth disease type 2. Last evaluated: 2026-01-28. Review status: criteria provided, single submitter. Criteria: Invitae Variant Classification Sherloc (09022015). Collection method: clinical testing. Allele origin: germline.

Mayo Clinic Laboratories, Mayo Clinic
Classification: Likely benign. Last evaluated: 2025-08-13. Review status: criteria provided, single submitter. Criteria: ACMG Guidelines, 2015. Collection method: clinical testing. Allele origin: germline. Observed: 1 variant allele.
Comment: BS1, BP4, BP7

PreventionGenetics, part of Exact Sciences
Classification: Likely benign for AARS1-related condition. Last evaluated: 2025-01-03. Review status: criteria provided, single submitter. Criteria: ACMG Guidelines, 2015. Collection method: clinical testing. Allele origin: germline.
Comment: This variant is classified as likely benign based on ACMG/AMP sequence variant interpretation guidelines (Richards et al. 2015 PMID: 25741868, with internal and published modifications).

Blueprint Genetics
Classification: Likely benign. Last evaluated: 2024-08-23. Review status: criteria provided, single submitter. Criteria: ACMG Guidelines, 2015. Collection method: clinical testing. Allele origin: germline.

Ambry Genetics
Classification: Likely benign for Inborn genetic diseases. Last evaluated: 2019-07-11. Review status: criteria provided, single submitter. Criteria: Ambry Variant Classification Scheme 2023. Collection method: clinical testing. Allele origin: germline.

Illumina Laboratory Services, Illumina
Classification: Likely benign for Charcot-Marie-Tooth disease axonal type 2N. Last evaluated: 2017-04-27. Review status: criteria provided, single submitter. Criteria: ICSL Variant Classification Criteria 13 December 2019. Collection method: clinical testing. Allele origin: germline.
Comment: This variant was observed as part of a predisposition screen in an ostensibly healthy population. A literature search was performed for the gene, cDNA change, and amino acid change (where applicable). No publications were found based on this search. Allele frequency data from public databases allowed determination this variant is unlikely to cause disease. Therefore, this variant is classified as likely benign.

GeneDx
Classification: Benign. Last evaluated: 2015-03-03. Review status: criteria provided, single submitter. Criteria: GeneDx Variant Classification Process June 2021. Collection method: clinical testing. Allele origin: germline. Affected: yes.

Eurofins Ntd Llc (ga)
Classification: Uncertain significance. Last evaluated: 2014-11-11. Review status: criteria provided, single submitter. Criteria: EGL Classification Definitions 2015. Collection method: clinical testing. Allele origin: germline. Observed: 1 variant allele, 1 heterozygote.